The following is an entry in ClinVar:

ClinVar aggregate classification (germline): Uncertain significance. Review status: criteria provided, multiple submitters, no conflicts (2 of 4 stars). 2 submissions from 2 submitters: Uncertain significance (2). Last evaluated 2024-09-30.

Allele frequency attached by ClinVar (database versions not stated): gnomAD exomes 0.00004; ExAC 0.00011; gnomAD 0.00019; ESP Exome Variant Server 0.00023; TOPMed 0.00023.
gnomAD v4.1: 88 of 1,610,290 alleles (0.0055%); highest among the groups gnomAD compares: African/African-American, 0.063%; no homozygotes.

Submissions (2):

Ambry Genetics
Classification: Uncertain significance. Last evaluated: 2024-09-30. Review status: criteria provided, single submitter. Criteria: Ambry Variant Classification Scheme 2023. Collection method: clinical testing. Allele origin: germline.

Labcorp Genetics (formerly Invitae), Labcorp
Classification: Uncertain significance. Last evaluated: 2023-08-03. Review status: criteria provided, single submitter. Criteria: Invitae Variant Classification Sherloc (09022015). Collection method: clinical testing. Allele origin: germline.
Comment: This sequence change replaces arginine, which is basic and polar, with histidine, which is basic and polar, at codon 2221 of the BSN protein (p.Arg2221His). This variant is present in population databases (rs149454072, gnomAD 0.05%), and has an allele count higher than expected for a pathogenic variant. This variant has not been reported in the literature in individuals affected with BSN-related conditions. Experimental studies and prediction algorithms are not available or were not evaluated, and the functional significance of this variant is currently unknown. In summary, the available evidence is currently insufficient to determine the role of this variant in disease. Therefore, it has been classified as a Variant of Uncertain Significance.

NM_003458.4(BSN):c.6662G>A (p.Arg2221His)

Gene: BSN (bassoon presynaptic cytomatrix protein; plus strand). Cytogenetic location: 3p21.31.
Variant type: single nucleotide variant.
Coding change: c.6662G>A on transcript NM_003458.4 (MANE Select); coding-DNA position 6662, G replaced by A.
Protein change: p.Arg2221His; replaces arginine 2221 with histidine.
Molecular consequence: missense variant.
Genome position (GRCh38, 1-based): chr3:49,656,218, G>A. VCF-style: chr3-49656218-G-A. GRCh37 (hg19) VCF-style: chr3-49693651-G-A.
Other names: c.6662G>A (NM_003458.3); short protein forms R2221H.
Identifiers: ClinVar variation 2722173 (VCV002722173.5), dbSNP rs149454072, ClinGen allele CA2400521.
Genomic context (GRCh38, chr3:49,656,218, plus strand): 5'-CAATTGCTGCAACACTGCCCATCACCACCCAGCCTGCCTCAGTCCTGCGGCCCATGGTGC[G>A]TGGTGGCATGTACAGGCCTTACGCATCTGGTGGAATCACAGCCGTGCCACTCACCAGTCT-3'
Protein context (NP_003449.2, residues 2211-2231): QPASVLRPMV[Arg2221His]GGMYRPYASG